The following is an entry in ClinVar:

NM_005912.3(MC4R):c.158C>T (p.Thr53Ile)

Gene: MC4R (melanocortin 4 receptor; minus strand). Cytogenetic location: 18q21.32.
Variant type: single nucleotide variant.
Coding change: c.158C>T on transcript NM_005912.3 (MANE Select); coding-DNA position 158, C replaced by T.
Protein change: p.Thr53Ile; replaces threonine 53 with isoleucine.
Molecular consequence: missense variant.
Genome position (GRCh38, 1-based): chr18:60,372,192, G>A on the plus strand (C>T on the coding strand, the complement: MC4R is on the minus strand). VCF-style: chr18-60372192-G-A. GRCh37 (hg19) VCF-style: chr18-58039425-G-A.
Other names: short protein forms T53I.
Identifiers: ClinVar variation 4989127 (VCV004989127.1).

ClinVar aggregate classification (germline): Uncertain significance (1 of 4 stars; one submission).

Conditions:
MC4R-related disorder. Also called: MC4R-related condition.

gnomAD v4.1: 34 of 1,614,116 alleles (0.0021%); highest among the groups gnomAD compares: Non-Finnish European, 0.0027%; no homozygotes.

Submission:

PreventionGenetics, part of Exact Sciences
Classification: Uncertain significance for MC4R-related condition. Last evaluated: 2026-04-20. Review status: criteria provided, single submitter. Criteria: ACMG Guidelines, 2015. Collection method: clinical testing. Allele origin: germline.
Comment: The MC4R c.158C>T variant is predicted to result in the amino acid substitution p.Thr53Ile. This variant has been reported in 3 individuals from the Avon Longitudinal Study of Parents and Children (unselected UK population genetically tested at birth and assessed for obesity at age of 18 years), but was classified as a WT-like variant (Figure 1e, Wade et al 2021. PubMed ID: 34045736). This variant was also observed in additional patient with morbid obesity (Table 1, Gong et al. 2023. PubMed ID: 37140139). In functional study, this variant showed expression levels similar to that of the wild type, but showed defective responses to ligand stimulation in ERK1/2 activation (Gong et al. 2023. PubMed ID: 37140139). This variant is reported in 0.0023% of alleles in individuals of European (Non-Finnish) descent in gnomAD. At this time, the clinical significance of this variant is uncertain due to the absence of conclusive functional and genetic evidence.